The following is an entry in ClinVar:

NM_007325.5(GRIA3):c.2603_2606dup (p.Pro870fs)

Gene: GRIA3 (glutamate ionotropic receptor AMPA type subunit 3; plus strand). Cytogenetic location: Xq25.
Variant type: Duplication.
Coding change: c.2603_2606dup on transcript NM_007325.5 (MANE Select); coding-DNA positions 2603 to 2606, 4 bases duplicated (CTGC; older notation c.2603_2606dupCTGC).
Protein change: p.Pro870fs; shifts the reading frame from proline 870.
Molecular consequence: frameshift variant.
Genome position (GRCh38, 1-based): chrX:123,482,962-123,482,965, CTGC duplicated; duplicating any 4 consecutive bases within chrX:123,482,960-123,482,965 gives the same sequence; the c. name uses the placement nearest the transcript's 3' end. VCF-style (leftmost placement, unchanged base first): chrX-123482959-A-AGCCT. GRCh37 (hg19) VCF-style: chrX-122616810-A-AGCCT.
Other names: c.2603_2606dup, p.Pro870fs (NM_000828.5); short protein forms P870fs.
Identifiers: ClinVar variation 2831760 (VCV002831760.3), dbSNP rs2521368459, ClinGen allele CA2739273765.

ClinVar aggregate classification (germline): Uncertain significance (1 of 4 stars; one submission).

Submission:

Labcorp Genetics (formerly Invitae), Labcorp
Classification: Uncertain significance. Last evaluated: 2023-01-24. Review status: criteria provided, single submitter. Criteria: Invitae Variant Classification Sherloc (09022015). Collection method: clinical testing. Allele origin: germline.
Comment: In summary, the available evidence is currently insufficient to determine the role of this variant in disease. Therefore, it has been classified as a Variant of Uncertain Significance. Experimental studies and prediction algorithms are not available or were not evaluated, and the functional significance of this variant is currently unknown. This variant has not been reported in the literature in individuals affected with GRIA3-related conditions. This variant is not present in population databases (gnomAD no frequency). This sequence change creates a premature translational stop signal (p.Pro870Cysfs*25) in the GRIA3 gene. While this is not anticipated to result in nonsense mediated decay, it is expected to disrupt the last 25 amino acid(s) of the GRIA3 protein.